The following is an entry in ClinVar:

ClinVar aggregate classification (germline): Likely benign (1 of 4 stars; one submission).

gnomAD v4.1: 1 of 1,539,812 alleles (0.000065%); highest among the groups gnomAD compares: South Asian, 0.0012%; no homozygotes.

Submission:

CeGaT Center for Human Genetics Tuebingen
Classification: Likely benign. Last evaluated: 2022-08-01. Review status: criteria provided, single submitter. Criteria: CeGaT Center For Human Genetics Tuebingen Variant Classification Criteria Version 2. Collection method: clinical testing. Allele origin: germline. Affected: yes. Observed: 1 variant allele.
Comment: AUTS2: BP4

NM_015570.4(AUTS2):c.661-145267G>T

Gene: AUTS2 (activator of transcription and developmental regulator AUTS2; plus strand). Cytogenetic location: 7q11.22.
Variant type: single nucleotide variant.
Coding change: c.661-145267G>T on transcript NM_015570.4 (MANE Select); 145267 bases into the intron before coding-DNA position 661, G replaced by T.
Molecular consequence: intron variant. On other transcripts: missense variant (1).
Genome position (GRCh38, 1-based): chr7:70,290,485, G>T. VCF-style: chr7-70290485-G-T. GRCh37 (hg19) VCF-style: chr7-69755471-G-T.
Other names: c.778G>T, p.Val260Phe (NM_001127232.3); c.661-145267G>T (NM_001127231.3); short protein forms V260F.
Identifiers: ClinVar variation 2657528 (VCV002657528.24), dbSNP rs749105983, ClinGen allele CA367704164.